The following is an entry in ClinVar:

ClinVar aggregate classification (germline): Uncertain significance (1 of 4 stars; one submission).

Conditions:
Noonan syndrome 9 (NS9). Identifiers: Orphanet 648, MedGen C4225282, MONDO:0014691, OMIM 616559.

gnomAD v4.1: 1 of 1,610,966 alleles (0.000062%); highest among the groups gnomAD compares: African/African-American, 0.0013%; no homozygotes.

Submission:

Labcorp Genetics (formerly Invitae), Labcorp
Classification: Uncertain significance for Noonan syndrome 9. Last evaluated: 2025-03-15. Review status: criteria provided, single submitter. Criteria: Invitae Variant Classification Sherloc (09022015). Collection method: clinical testing. Allele origin: germline.
Comment: This sequence change replaces glutamic acid, which is acidic and polar, with aspartic acid, which is acidic and polar, at codon 810 of the SOS2 protein (p.Glu810Asp). This variant is not present in population databases (gnomAD no frequency). This variant has not been reported in the literature in individuals affected with SOS2-related conditions. Invitae Evidence Modeling of protein sequence and biophysical properties (such as structural, functional, and spatial information, amino acid conservation, physicochemical variation, residue mobility, and thermodynamic stability) indicates that this missense variant is not expected to disrupt SOS2 protein function with a negative predictive value of 95%. In summary, the available evidence is currently insufficient to determine the role of this variant in disease. Therefore, it has been classified as a Variant of Uncertain Significance.

NM_006939.4(SOS2):c.2430A>T (p.Glu810Asp)

Gene: SOS2 (SOS Ras/Rho guanine nucleotide exchange factor 2; minus strand). Cytogenetic location: 14q21.3.
Variant type: single nucleotide variant.
Coding change: c.2430A>T on transcript NM_006939.4 (MANE Select); coding-DNA position 2430, A replaced by T.
Protein change: p.Glu810Asp; replaces glutamic acid 810 with aspartic acid.
Molecular consequence: missense variant.
Genome position (GRCh38, 1-based): chr14:50,145,551, T>A on the plus strand (A>T on the coding strand, the complement: SOS2 is on the minus strand). VCF-style: chr14-50145551-T-A. GRCh37 (hg19) VCF-style: chr14-50612269-T-A.
Other names: c.2331A>T, p.Glu777Asp (NM_001411020.1); short protein forms E777D, E810D.
Identifiers: ClinVar variation 3642924 (VCV003642924.2).